The following is an entry in ClinVar:

ClinVar aggregate classification (germline): Uncertain significance. Review status: criteria provided, multiple submitters, no conflicts (2 of 4 stars). 2 submissions from 2 submitters: Uncertain significance (2). Last evaluated 2022-09-15.

Conditions:
Charcot-Marie-Tooth disease type 2E (CMT2E). Also called: CHARCOT-MARIE-TOOTH DISEASE, AXONAL, TYPE 2E; CHARCOT-MARIE-TOOTH NEUROPATHY, TYPE 2E. Identifiers: Orphanet 99939, MedGen C1843225, MONDO:0011894, OMIM 607684.
Inborn genetic diseases. Identifiers: MedGen C0950123, MeSH D030342.

Allele frequency attached by ClinVar (database versions not stated): gnomAD exomes below 0.00001; gnomAD 0.00001; TOPMed 0.00001.

Submissions (2):

Labcorp Genetics (formerly Invitae), Labcorp
Classification: Uncertain significance for Charcot-Marie-Tooth disease type 2E. Last evaluated: 2022-09-15. Review status: criteria provided, single submitter. Criteria: Invitae Variant Classification Sherloc (09022015). Collection method: clinical testing. Allele origin: germline.
Comment: This sequence change replaces serine, which is neutral and polar, with phenylalanine, which is neutral and non-polar, at codon 221 of the NEFL protein (p.Ser221Phe). This variant is not present in population databases (gnomAD no frequency). This variant has not been reported in the literature in individuals affected with NEFL-related conditions. Experimental studies and prediction algorithms are not available or were not evaluated, and the functional significance of this variant is currently unknown. In summary, the available evidence is currently insufficient to determine the role of this variant in disease. Therefore, it has been classified as a Variant of Uncertain Significance.

Ambry Genetics
Classification: Uncertain significance for Inborn genetic diseases. Last evaluated: 2021-08-30. Review status: criteria provided, single submitter. Criteria: Ambry Variant Classification Scheme 2023. Collection method: clinical testing. Allele origin: germline.
Comment: The p.S221F variant (also known as c.662C>T), located in coding exon 1 of the NEFL gene, results from a C to T substitution at nucleotide position 662. The serine at codon 221 is replaced by phenylalanine, an amino acid with highly dissimilar properties. This amino acid position is conserved. In addition, the in silico prediction for this alteration is inconclusive. Since supporting evidence is limited at this time, the clinical significance of this alteration remains unclear.

NM_006158.5(NEFL):c.662C>T (p.Ser221Phe)

Gene: NEFL (neurofilament light chain; minus strand). Cytogenetic location: 8p21.2.
Variant type: single nucleotide variant.
Coding change: c.662C>T on transcript NM_006158.5 (MANE Select); coding-DNA position 662, C replaced by T.
Protein change: p.Ser221Phe; replaces serine 221 with phenylalanine.
Molecular consequence: missense variant.
Genome position (GRCh38, 1-based): chr8:24,955,854, G>A on the plus strand (C>T on the coding strand, the complement: NEFL is on the minus strand). VCF-style: chr8-24955854-G-A. GRCh37 (hg19) VCF-style: chr8-24813368-G-A.
Other names: short protein forms S221F.
Identifiers: ClinVar variation 1754564 (VCV001754564.7), dbSNP rs1344998933, ClinGen allele CA370621908.